The following is an entry in ClinVar:

NM_001105206.3(LAMA4):c.3175G>C (p.Val1059Leu)

Gene: LAMA4 (laminin subunit alpha 4; minus strand). Cytogenetic location: 6q21.
Variant type: single nucleotide variant.
Coding change: c.3175G>C on transcript NM_001105206.3 (MANE Select); coding-DNA position 3175, G replaced by C.
Protein change: p.Val1059Leu; replaces valine 1059 with leucine.
Molecular consequence: missense variant.
Genome position (GRCh38, 1-based): chr6:112,139,227, C>G on the plus strand (G>C on the coding strand, the complement: LAMA4 is on the minus strand). VCF-style: chr6-112139227-C-G. GRCh37 (hg19) VCF-style: chr6-112460429-C-G.
Other names: c.3154G>C, p.Val1052Leu (NM_001105207.3, NM_002290.5); short protein forms V1059L, V1052L.
Identifiers: ClinVar variation 934047 (VCV000934047.9), dbSNP rs373650093, ClinGen allele CA3965286.

ClinVar aggregate classification (germline): Uncertain significance (1 of 4 stars; one submission).

Conditions:
Dilated cardiomyopathy 1JJ (CMD1JJ). Identifiers: Orphanet 154, MedGen C3808935, MONDO:0014095, OMIM 615235.

gnomAD v4.1: 4 of 1,614,000 alleles (0.00025%); highest among the groups gnomAD compares: Admixed American, 0.0017%; no homozygotes.

Submission:

Labcorp Genetics (formerly Invitae), Labcorp
Classification: Uncertain significance for Dilated cardiomyopathy 1JJ. Last evaluated: 2019-09-24. Review status: criteria provided, single submitter. Criteria: Invitae Variant Classification Sherloc (09022015). Collection method: clinical testing. Allele origin: germline.
Comment: Algorithms developed to predict the effect of missense changes on protein structure and function (SIFT, PolyPhen-2, Align-GVGD) all suggest that this variant is likely to be tolerated, but these predictions have not been confirmed by published functional studies and their clinical significance is uncertain. In summary, the available evidence is currently insufficient to determine the role of this variant in disease. Therefore, it has been classified as a Variant of Uncertain Significance. This variant has not been reported in the literature in individuals with LAMA4-related conditions. This variant is present in population databases (rs373650093, ExAC 0.001%). This sequence change replaces valine with leucine at codon 1052 of the LAMA4 protein (p.Val1052Leu). The valine residue is moderately conserved and there is a small physicochemical difference between valine and leucine.